The following is an entry in ClinVar:

ClinVar aggregate classification (germline): Uncertain significance. Review status: criteria provided, multiple submitters, no conflicts (2 of 4 stars). 5 submissions from 5 submitters: Uncertain significance (5). Last evaluated 2025-11-25.

Conditions:
Retinitis pigmentosa 55 (RP55). Identifiers: Orphanet 791, MedGen C3150808, MONDO:0013312, OMIM 613575.
Bardet-Biedl syndrome 3 (BBS3). Identifiers: Orphanet 110, MedGen C1859564, MONDO:0010832, OMIM 600151.
ARL6-related disorder. Also called: ARL6-related condition.
Bardet-Biedl syndrome 1 (BBS1). Identifiers: MedGen C2936862, MONDO:0008854, OMIM 209900. Disease mechanism: loss of function.
Inborn genetic diseases. Identifiers: MedGen C0950123, MeSH D030342.

Allele frequency attached by ClinVar (database versions not stated): gnomAD exomes below 0.00001; ExAC 0.00001.

Submissions (5):

PreventionGenetics, part of Exact Sciences
Classification: Uncertain significance for ARL6-related condition. Last evaluated: 2025-11-25. Review status: criteria provided, single submitter. Criteria: ACMG Guidelines, 2015. Collection method: clinical testing. Allele origin: germline.
Comment: The ARL6 c.140T>A variant is predicted to result in the amino acid substitution p.Ile47Asn. To our knowledge, this variant has not been reported in the literature. This variant is reported in 0.0054% of alleles in individuals of East Asian descent in gnomAD. At this time, the clinical significance of this variant is uncertain due to the absence of conclusive functional and genetic evidence.

Ambry Genetics
Classification: Uncertain significance for Inborn genetic diseases. Last evaluated: 2024-12-31. Review status: criteria provided, single submitter. Criteria: Ambry Variant Classification Scheme 2023. Collection method: clinical testing. Allele origin: germline.

Labcorp Genetics (formerly Invitae), Labcorp
Classification: Uncertain significance for Retinitis pigmentosa 55; Bardet-Biedl syndrome 3. Last evaluated: 2024-10-08. Review status: criteria provided, single submitter. Criteria: Invitae Variant Classification Sherloc (09022015). Collection method: clinical testing. Allele origin: germline.
Comment: This sequence change replaces isoleucine, which is neutral and non-polar, with asparagine, which is neutral and polar, at codon 47 of the ARL6 protein (p.Ile47Asn). This variant is not present in population databases (gnomAD no frequency). This variant has not been reported in the literature in individuals affected with ARL6-related conditions. ClinVar contains an entry for this variant (Variation ID: 663541). An algorithm developed to predict the effect of missense changes on protein structure and function (PolyPhen-2) suggests that this variant is likely to be disruptive. In summary, the available evidence is currently insufficient to determine the role of this variant in disease. Therefore, it has been classified as a Variant of Uncertain Significance.

Fulgent Genetics
Classification: Uncertain significance for Bardet-Biedl syndrome 1; Bardet-Biedl syndrome 3; Retinitis pigmentosa 55. Last evaluated: 2024-03-05. Review status: criteria provided, single submitter. Criteria: ACMG Guidelines, 2015. Collection method: clinical testing. Allele origin: germline.

Blueprint Genetics
Classification: Uncertain significance. Last evaluated: 2022-03-28. Review status: criteria provided, single submitter. Criteria: ACMG Guidelines, 2015. Collection method: clinical testing. Allele origin: germline.

NM_001278293.3(ARL6):c.140T>A (p.Ile47Asn)

Gene: ARL6 (ARF like GTPase 6; plus strand). Cytogenetic location: 3q11.2.
Variant type: single nucleotide variant.
Coding change: c.140T>A on transcript NM_001278293.3 (MANE Select); coding-DNA position 140, T replaced by A.
Protein change: p.Ile47Asn; replaces isoleucine 47 with asparagine.
Molecular consequence: missense variant. On other transcripts: non-coding transcript variant (7).
Genome position (GRCh38, 1-based): chr3:97,780,175, T>A. VCF-style: chr3-97780175-T-A. GRCh37 (hg19) VCF-style: chr3-97499019-T-A.
Other names: c.140T>A (NM_177976.1); c.140T>A, p.Ile47Asn (NM_001323513.2, NM_001323514.2, NM_032146.5 and 1 more transcripts); short protein forms I47N.
Identifiers: ClinVar variation 663541 (VCV000663541.10), dbSNP rs757995078, ClinGen allele CA2505868.
Genomic context (GRCh38, chr3:97,780,175, plus strand): 5'-CTCTGGTAATTGTAAATTTCTGAACTTTGTCTTTTCTCTTAAAGGCTCAATCTCAAAATA[T>A]CCTTCCAACAATAGGATTCAGCATAGAGAAATTCAAATCATCCAGGTAATCCACTTTATC-3'
Protein context (NP_001265222.1, residues 37-57): LKPSNAQSQN[Ile47Asn]LPTIGFSIEK